The following is an entry in ClinVar:

NM_004517.4(ILK):c.806C>T (p.Thr269Ile)

Genes: ILK (integrin linked kinase; plus strand), TAF10 (TATA-box binding protein associated factor 10; minus strand). Cytogenetic location: 11p15.4.
Variant type: single nucleotide variant.
Coding change: c.806C>T on transcript NM_004517.4 (MANE Select); coding-DNA position 806, C replaced by T.
Protein change: p.Thr269Ile; replaces threonine 269 with isoleucine.
Molecular consequence: missense variant. On other transcripts: 3 prime UTR variant (1).
Genome position (GRCh38, 1-based): chr11:6,609,589, C>T. VCF-style: chr11-6609589-C-T. GRCh37 (hg19) VCF-style: chr11-6630820-C-T.
Other names: c.806C>T, p.Thr269Ile (NM_001014794.3, NM_001014795.3); c.623C>T, p.Thr208Ile (NM_001278441.2); c.404C>T, p.Thr135Ile (NM_001278442.2); c.*1333G>A (NM_006284.4); short protein forms T135I, T269I, T208I.
Identifiers: ClinVar variation 4705982 (VCV004705982.1).

ClinVar aggregate classification (germline): Uncertain significance (1 of 4 stars; one submission).

Conditions:
Primary familial hypertrophic cardiomyopathy (HCM). Identifiers: Orphanet 99739, MedGen C0949658, MeSH D024741, MONDO:0024573. Inheritance: Various modes of inheritance.

gnomAD v4.1: 15 of 1,614,076 alleles (0.00093%); highest among the groups gnomAD compares: Middle Eastern, 0.016%; no homozygotes.

Submission:

Labcorp Genetics (formerly Invitae), Labcorp
Classification: Uncertain significance for Primary familial hypertrophic cardiomyopathy. Last evaluated: 2026-01-13. Review status: criteria provided, single submitter. Criteria: Invitae Variant Classification Sherloc (09022015). Collection method: clinical testing. Allele origin: germline.
Comment: This sequence change replaces threonine, which is neutral and polar, with isoleucine, which is neutral and non-polar, at codon 269 of the ILK protein (p.Thr269Ile). This variant is present in population databases (rs770920688, gnomAD 0.01%). This variant has not been reported in the literature in individuals affected with ILK-related conditions. An algorithm developed to predict the effect of missense changes on protein structure and function (PolyPhen-2) suggests that this variant is likely to be disruptive. In summary, the available evidence is currently insufficient to determine the role of this variant in disease. Therefore, it has been classified as a Variant of Uncertain Significance.